The following is an entry in ClinVar:

ClinVar aggregate classification (germline): Uncertain significance (1 of 4 stars; one submission).

Submission:

Labcorp Genetics (formerly Invitae), Labcorp
Classification: Uncertain significance. Last evaluated: 2021-12-15. Review status: criteria provided, single submitter. Criteria: Invitae Variant Classification Sherloc (09022015). Collection method: clinical testing. Allele origin: germline.
Comment: In summary, the available evidence is currently insufficient to determine the role of this variant in disease. Therefore, it has been classified as a Variant of Uncertain Significance. This sequence change replaces isoleucine, which is neutral and non-polar, with methionine, which is neutral and non-polar, at codon 689 of the P3H2 protein (p.Ile689Met). This variant is not present in population databases (gnomAD no frequency). This variant has not been reported in the literature in individuals affected with P3H2-related conditions. Algorithms developed to predict the effect of missense changes on protein structure and function (SIFT, PolyPhen-2, Align-GVGD) all suggest that this variant is likely to be tolerated.

NM_018192.4(P3H2):c.2067T>G (p.Ile689Met)

Gene: P3H2 (prolyl 3-hydroxylase 2; minus strand). Cytogenetic location: 3q28.
Variant type: single nucleotide variant.
Coding change: c.2067T>G on transcript NM_018192.4 (MANE Select); coding-DNA position 2067, T replaced by G.
Protein change: p.Ile689Met; replaces isoleucine 689 with methionine.
Molecular consequence: missense variant.
Genome position (GRCh38, 1-based): chr3:189,957,972, A>C on the plus strand (T>G on the coding strand, the complement: P3H2 is on the minus strand). VCF-style: chr3-189957972-A-C. GRCh37 (hg19) VCF-style: chr3-189675761-A-C.
Other names: c.1524T>G, p.Ile508Met (NM_001134418.2); short protein forms I508M, I689M.
Identifiers: ClinVar variation 1521725 (VCV001521725.6), dbSNP rs2108899310, ClinGen allele CA355751011.